The following is an entry in ClinVar:

NM_020461.4(TUBGCP6):c.96G>C (p.Arg32Ser)

Gene: TUBGCP6 (tubulin gamma complex component 6; minus strand). Cytogenetic location: 22q13.33.
Variant type: single nucleotide variant.
Coding change: c.96G>C on transcript NM_020461.4 (MANE Select); coding-DNA position 96, G replaced by C.
Protein change: p.Arg32Ser; replaces arginine 32 with serine.
Molecular consequence: missense variant.
Genome position (GRCh38, 1-based): chr22:50,244,364, C>G on the plus strand (G>C on the coding strand, the complement: TUBGCP6 is on the minus strand). VCF-style: chr22-50244364-C-G. GRCh37 (hg19) VCF-style: chr22-50682793-C-G.
Other names: c.96G>C (NM_020461.3); short protein forms R32S.
Identifiers: ClinVar variation 1939368 (VCV001939368.4), dbSNP rs749162786, ClinGen allele CA10309122.
Genomic context (GRCh38, chr22:50,244,364, plus strand): 5'-ATCTTGAAAAAGATTTGTGAAAAGAGCATTGTAGGCCACCTTCTTGAGGCTCCGCTTTGC[C>G]CTCTTCCGGTTCACACTGCGCTGGCCCAGGTGAGTCTTGGCAGCCGGCAGGAGGGCCTCA-3'
Protein context (NP_065194.3, residues 22-42): HLGQRSVNRK[Arg32Ser]AKRSLKKVAY

ClinVar aggregate classification (germline): Uncertain significance. Review status: criteria provided, multiple submitters, no conflicts (2 of 4 stars). 2 submissions from 2 submitters: Uncertain significance (2). Last evaluated 2023-12-20.

Conditions:
Inborn genetic diseases. Identifiers: MedGen C0950123, MeSH D030342.

Allele frequency attached by ClinVar (database versions not stated): ExAC 0.00001.

Submissions (2):

Ambry Genetics
Classification: Uncertain significance for Inborn genetic diseases. Last evaluated: 2023-12-20. Review status: criteria provided, single submitter. Criteria: Ambry Variant Classification Scheme 2023. Collection method: clinical testing. Allele origin: germline.

Labcorp Genetics (formerly Invitae), Labcorp
Classification: Uncertain significance. Last evaluated: 2022-01-27. Review status: criteria provided, single submitter. Criteria: Invitae Variant Classification Sherloc (09022015). Collection method: clinical testing. Allele origin: germline.
Comment: In summary, the available evidence is currently insufficient to determine the role of this variant in disease. Therefore, it has been classified as a Variant of Uncertain Significance. Algorithms developed to predict the effect of missense changes on protein structure and function (SIFT, PolyPhen-2, Align-GVGD) all suggest that this variant is likely to be tolerated. This variant has not been reported in the literature in individuals affected with TUBGCP6-related conditions. This variant is present in population databases (rs749162786, gnomAD 0.007%). This sequence change replaces arginine, which is basic and polar, with serine, which is neutral and polar, at codon 32 of the TUBGCP6 protein (p.Arg32Ser).